The following is an entry in ClinVar:

NM_144670.6(A2ML1):c.2590+1G>A

Gene: A2ML1 (alpha-2-macroglobulin like 1; plus strand). Cytogenetic location: 12p13.31.
Variant type: single nucleotide variant.
Coding change: c.2590+1G>A on transcript NM_144670.6 (MANE Select); the canonical splice donor site of the intron after coding-DNA position 2590, G replaced by A.
Molecular consequence: splice donor variant.
Genome position (GRCh38, 1-based): chr12:8,852,337, G>A. VCF-style: chr12-8852337-G-A. GRCh37 (hg19) VCF-style: chr12-9004933-G-A.
Other names: c.1117+1G>A (NM_001282424.3).
Identifiers: ClinVar variation 2145234 (VCV002145234.4), dbSNP rs1189635016, ClinGen allele CA383833831.

ClinVar aggregate classification (germline): Uncertain significance (1 of 4 stars; one submission).

Allele frequency attached by ClinVar (database versions not stated): gnomAD 0.00001; gnomAD exomes 0.00001; TOPMed 0.00002.
gnomAD v4.1: 14 of 1,613,906 alleles (0.00087%); highest among the groups gnomAD compares: Non-Finnish European, 0.0012%; no homozygotes.

Submission:

Labcorp Genetics (formerly Invitae), Labcorp
Classification: Uncertain significance. Last evaluated: 2022-09-14. Review status: criteria provided, single submitter. Criteria: Invitae Variant Classification Sherloc (09022015). Collection method: clinical testing. Allele origin: germline.
Comment: This sequence change affects a donor splice site in intron 20 of the A2ML1 gene. It is expected to disrupt RNA splicing. Variants that disrupt the donor or acceptor splice site typically lead to a loss of protein function (PMID: 16199547), however the current clinical and genetic evidence is not sufficient to establish whether loss-of-function variants in A2ML1 cause disease. This variant is present in population databases (no rsID available, gnomAD 0.003%). This variant has not been reported in the literature in individuals affected with A2ML1-related conditions. Algorithms developed to predict the effect of sequence changes on RNA splicing suggest that this variant may disrupt the consensus splice site. In summary, the available evidence is currently insufficient to determine the role of this variant in disease. Therefore, it has been classified as a Variant of Uncertain Significance.

Literature cited by the submitters: PubMed 16199547.